The following is an entry in ClinVar:

ClinVar aggregate classification (germline): Likely pathogenic (1 of 4 stars; one submission).

Conditions:
Epilepsy, familial focal, with variable foci 3 (FFEVF3). Identifiers: MedGen C4310708, MONDO:0014925, OMIM 617118.

Submission:

3billion
Classification: Likely pathogenic for Epilepsy, familial focal, with variable foci 3. Last evaluated: 2024-09-09. Review status: criteria provided, single submitter. Criteria: ACMG Guidelines, 2015. Collection method: clinical testing. Allele origin: germline. Affected: yes.
Comment: The variant is not observed in the gnomAD v4.0.0 dataset. Predicted Consequence/Location: Frameshift: predicted to result in a loss or disruption of normal protein function through nonsense-mediated decay (NMD) or protein truncation. Multiple pathogenic variants are reported downstream of the variant. Therefore, this variant is classified as Likely pathogenic according to the recommendation of ACMG/AMP guideline.

NM_001077350.3(NPRL3):c.337del (p.Ser113fs)

Genes: HBA-LCR (alpha-globin locus control region; plus strand), NPRL3 (NPR3 like, GATOR1 complex subunit; minus strand). Cytogenetic location: 16p13.3.
Variant type: Deletion.
Coding change: c.337del on transcript NM_001077350.3 (MANE Select); coding-DNA position 337, one base deleted (T; older notation c.337delT).
Protein change: p.Ser113fs; shifts the reading frame from serine 113.
Molecular consequence: frameshift variant. On other transcripts: intron variant (3).
Genome position (GRCh38, 1-based): chr16:117,357, A deleted on the plus strand (T on the coding strand, the reverse complement: NPRL3 is on the minus strand); the first of 2 consecutive A bases (chr16:117,357-117,358); deleting either gives the same sequence. VCF-style (leftmost placement, unchanged base first): chr16-117356-GA-G. GRCh37 (hg19) VCF-style: chr16-167355-GA-G.
Other names: c.103del, p.Ser35fs (NM_001243247.2); c.318+1769del (NM_001243248.2, NM_001243249.2); c.-144-4582del (NM_001039476.3); short protein forms S113fs, S35fs.
Identifiers: ClinVar variation 4292114 (VCV004292114.1).